The following is an entry in ClinVar:

NM_138704.4(NSMCE3):c.32C>G (p.Ser11Cys)

Genes: NSMCE3 (NSE3 component of SMC5/6 complex; minus strand), ENTREP2 (endosomal transmembrane epsin interactor 2; minus strand). Cytogenetic location: 15q13.1.
Variant type: single nucleotide variant.
Coding change: c.32C>G on transcript NM_138704.4 (MANE Select); coding-DNA position 32, C replaced by G.
Protein change: p.Ser11Cys; replaces serine 11 with cysteine.
Molecular consequence: missense variant. On other transcripts: intron variant (5).
Genome position (GRCh38, 1-based): chr15:29,269,674, G>C on the plus strand (C>G on the coding strand, the complement: NSMCE3 is on the minus strand). VCF-style: chr15-29269674-G-C. GRCh37 (hg19) VCF-style: chr15-29561878-G-C.
Other names: c.-12-17196C>G (NM_001387217.1, NM_001387215.1, NM_001387216.1); c.277-17196C>G (NM_001387214.1, NM_015307.2); short protein forms S11C.
Identifiers: ClinVar variation 1970171 (VCV001970171.4), dbSNP rs751152137, ClinGen allele CA7446259.
Genomic context (GRCh38, chr15:29,269,674, plus strand): 5'-CGCGAAGCCCCGGGGTTTCCGCTATGGCTCCAGTCTCTGTCCCTCTCGGCCTGGCCGCCA[G>C]AGCGGCCCCGGTTCCTCGGTTTTTGCAACATGTCTCCGGCGGCAGGTGCCGGCGCACACT-3'
Protein context (NP_619649.1, residues 1-21): MLQKPRNRGR[Ser11Cys]GGQAERDRDW

ClinVar aggregate classification (germline): Uncertain significance (1 of 4 stars; one submission).

Allele frequency attached by ClinVar (database versions not stated): ExAC 0.00002.
gnomAD v4.1: 10 of 1,558,372 alleles (0.00064%); highest among the groups gnomAD compares: Middle Eastern, 0.017%; no homozygotes.

Submission:

Labcorp Genetics (formerly Invitae), Labcorp
Classification: Uncertain significance. Last evaluated: 2024-05-29. Review status: criteria provided, single submitter. Criteria: Invitae Variant Classification Sherloc (09022015). Collection method: clinical testing. Allele origin: germline.
Comment: This sequence change replaces serine, which is neutral and polar, with cysteine, which is neutral and slightly polar, at codon 11 of the NSMCE3 protein (p.Ser11Cys). This variant is present in population databases (rs751152137, gnomAD 0.008%). This variant has not been reported in the literature in individuals affected with NSMCE3-related conditions. ClinVar contains an entry for this variant (Variation ID: 1970171). An algorithm developed to predict the effect of missense changes on protein structure and function (PolyPhen-2) suggests that this variant is likely to be tolerated. In summary, the available evidence is currently insufficient to determine the role of this variant in disease. Therefore, it has been classified as a Variant of Uncertain Significance.